The following is an entry in ClinVar:

ClinVar aggregate classification (germline): Uncertain significance. Review status: criteria provided, multiple submitters, no conflicts (2 of 4 stars). 2 submissions from 2 submitters: Uncertain significance (2). Last evaluated 2024-04-14.

Conditions:
Hereditary cancer-predisposing syndrome. Also called: Neoplastic Syndromes, Hereditary; Hereditary Cancer Syndrome; Tumor predisposition; Hereditary neoplastic syndrome. Identifiers: Orphanet 140162, MedGen C0027672, MeSH D009386, MONDO:0015356.
Familial cancer of breast. Also called: hereditary breast carcinoma; BREAST CANCER, FAMILIAL; Hereditary breast cancer. Identifiers: Orphanet 227535, MedGen C0346153, MONDO:0016419, OMIM 114480. Disease mechanism: loss of function.

Allele frequency attached by ClinVar (database versions not stated): ExAC 0.00001.

Submissions (2):

Labcorp Genetics (formerly Invitae), Labcorp
Classification: Uncertain significance for Familial cancer of breast. Last evaluated: 2024-04-14. Review status: criteria provided, single submitter. Criteria: Invitae Variant Classification Sherloc (09022015). Collection method: clinical testing. Allele origin: germline.
Comment: This sequence change replaces lysine, which is basic and polar, with glutamic acid, which is acidic and polar, at codon 423 of the BARD1 protein (p.Lys423Glu). This variant is not present in population databases (gnomAD no frequency). This variant has not been reported in the literature in individuals affected with BARD1-related conditions. ClinVar contains an entry for this variant (Variation ID: 2152908). An algorithm developed to predict the effect of missense changes on protein structure and function (PolyPhen-2) suggests that this variant is likely to be disruptive. In summary, the available evidence is currently insufficient to determine the role of this variant in disease. Therefore, it has been classified as a Variant of Uncertain Significance.

Ambry Genetics
Classification: Uncertain significance for Hereditary cancer-predisposing syndrome. Last evaluated: 2023-01-18. Review status: criteria provided, single submitter. Criteria: Ambry Variant Classification Scheme 2023. Collection method: clinical testing. Allele origin: germline.
Comment: The p.K423E variant (also known as c.1267A>G), located in coding exon 4 of the BARD1 gene, results from an A to G substitution at nucleotide position 1267. The lysine at codon 423 is replaced by glutamic acid, an amino acid with similar properties. This alteration was detected in 1/1197 patients with breast cancer who underwent genetic testing (Abdel-Razeq H et al. Front Oncol, 2022 Mar;12:673094). This amino acid position is well conserved in available vertebrate species. In addition, the in silico prediction for this alteration is inconclusive. Since supporting evidence is limited at this time, the clinical significance of this alteration remains unclear.

Literature cited by the submitters: PubMed 35402282 (cited by Ambry Genetics).

NM_000465.4(BARD1):c.1267A>G (p.Lys423Glu)

Gene: BARD1 (BRCA1 associated RING domain 1; minus strand). Cytogenetic location: 2q35.
Variant type: single nucleotide variant.
Coding change: c.1267A>G on transcript NM_000465.4 (MANE Select); coding-DNA position 1267, A replaced by G.
Protein change: p.Lys423Glu; replaces lysine 423 with glutamic acid.
Molecular consequence: missense variant. On other transcripts: non-coding transcript variant (2), intron variant (3).
Genome position (GRCh38, 1-based): chr2:214,780,607, T>C on the plus strand (A>G on the coding strand, the complement: BARD1 is on the minus strand). VCF-style: chr2-214780607-T-C. GRCh37 (hg19) VCF-style: chr2-215645331-T-C.
Other names: c.1267A>G (NM_000465.2); c.1210A>G, p.Lys404Glu (NM_001282543.2); c.159-28052A>G (NM_001282548.2); c.215+16454A>G (NM_001282545.2); c.364+11690A>G (NM_001282549.2); short protein forms K423E, K404E.
Identifiers: ClinVar variation 2152908 (VCV002152908.6), dbSNP rs201146688, ClinGen allele CA2090317.